The following is an entry in ClinVar:

ClinVar aggregate classification (germline): Uncertain significance (1 of 4 stars; one submission).

Conditions:
MAST1-related disorder. Also called: MAST1-related condition.

Submission:

PreventionGenetics, part of Exact Sciences
Classification: Uncertain significance for MAST1-related condition. Last evaluated: 2025-07-31. Review status: criteria provided, single submitter. Criteria: ACMG Guidelines, 2015. Collection method: clinical testing. Allele origin: germline.
Comment: The MAST1 c.1124A>G variant is predicted to result in the amino acid substitution p.Asp375Gly. To our knowledge, this variant has not been reported in the literature or in a large population database (gnomAD), indicating this variant is rare. At this time, the clinical significance of this variant is uncertain due to the absence of conclusive functional and genetic evidence.

NM_014975.3(MAST1):c.1124A>G (p.Asp375Gly)

Gene: MAST1 (microtubule associated serine/threonine kinase 1; plus strand). Cytogenetic location: 19p13.13.
Variant type: single nucleotide variant.
Coding change: c.1124A>G on transcript NM_014975.3 (MANE Select); coding-DNA position 1124, A replaced by G.
Protein change: p.Asp375Gly; replaces aspartic acid 375 with glycine.
Molecular consequence: missense variant.
Genome position (GRCh38, 1-based): chr19:12,858,408, A>G. VCF-style: chr19-12858408-A-G. GRCh37 (hg19) VCF-style: chr19-12969222-A-G.
Other names: short protein forms D375G.
Identifiers: ClinVar variation 4997184 (VCV004997184.1).